The following is an entry in ClinVar:

NM_015909.4(NBAS):c.3707G>T (p.Arg1236Leu)

Gene: NBAS (NBAS subunit of NRZ tethering complex; minus strand). Cytogenetic location: 2p24.3.
Variant type: single nucleotide variant.
Coding change: c.3707G>T on transcript NM_015909.4 (MANE Select); coding-DNA position 3707, G replaced by T.
Protein change: p.Arg1236Leu; replaces arginine 1236 with leucine.
Molecular consequence: missense variant. On other transcripts: non-coding transcript variant (1).
Genome position (GRCh38, 1-based): chr2:15,366,690, C>A on the plus strand (G>T on the coding strand, the complement: NBAS is on the minus strand). VCF-style: chr2-15366690-C-A. GRCh37 (hg19) VCF-style: chr2-15506814-C-A.
Other names: c.3707G>T (NM_015909.2); short protein forms R1236L.
Identifiers: ClinVar variation 1461857 (VCV001461857.6), dbSNP rs754435346, ClinGen allele CA1535932.

ClinVar aggregate classification (germline): Uncertain significance. Review status: criteria provided, multiple submitters, no conflicts (2 of 4 stars). 2 submissions from 2 submitters: Uncertain significance (2). Last evaluated 2024-10-19.

Conditions:
Inborn genetic diseases. Identifiers: MedGen C0950123, MeSH D030342.

Allele frequency attached by ClinVar (database versions not stated): ExAC 0.00001; gnomAD 0.00001; TOPMed 0.00003.
gnomAD v4.1: 44 of 1,613,494 alleles (0.0027%); highest among the groups gnomAD compares: Non-Finnish European, 0.0036%; no homozygotes.

Submissions (2):

Ambry Genetics
Classification: Uncertain significance for Inborn genetic diseases. Last evaluated: 2024-10-19. Review status: criteria provided, single submitter. Criteria: Ambry Variant Classification Scheme 2023. Collection method: clinical testing. Allele origin: germline.

Labcorp Genetics (formerly Invitae), Labcorp
Classification: Uncertain significance. Last evaluated: 2024-05-12. Review status: criteria provided, single submitter. Criteria: Invitae Variant Classification Sherloc (09022015). Collection method: clinical testing. Allele origin: germline.
Comment: This sequence change replaces arginine, which is basic and polar, with leucine, which is neutral and non-polar, at codon 1236 of the NBAS protein (p.Arg1236Leu). This variant is present in population databases (rs754435346, gnomAD 0.003%). This variant has not been reported in the literature in individuals affected with NBAS-related conditions. ClinVar contains an entry for this variant (Variation ID: 1461857). Advanced modeling of protein sequence and biophysical properties (such as structural, functional, and spatial information, amino acid conservation, physicochemical variation, residue mobility, and thermodynamic stability) performed at Invitae indicates that this missense variant is not expected to disrupt NBAS protein function with a negative predictive value of 95%. In summary, the available evidence is currently insufficient to determine the role of this variant in disease. Therefore, it has been classified as a Variant of Uncertain Significance.